The following is an entry in ClinVar:

NM_000639.3(FASLG):c.474G>C (p.Met158Ile)

Gene: FASLG (Fas ligand; plus strand). Cytogenetic location: 1q24.3.
Variant type: single nucleotide variant.
Coding change: c.474G>C on transcript NM_000639.3 (MANE Select); coding-DNA position 474, G replaced by C.
Protein change: p.Met158Ile; replaces methionine 158 with isoleucine.
Molecular consequence: missense variant. On other transcripts: 3 prime UTR variant (1).
Genome position (GRCh38, 1-based): chr1:172,665,644, G>C. VCF-style: chr1-172665644-G-C. GRCh37 (hg19) VCF-style: chr1-172634784-G-C.
Other names: c.*44G>C (NM_001302746.2); short protein forms M158I.
Identifiers: ClinVar variation 940827 (VCV000940827.6), dbSNP rs888867585, ClinGen allele CA32979640.
Genomic context (GRCh38, chr1:172,665,644, plus strand): 5'-CTATTCCTTGTTGAAAGCTCCTTTTGGATTTATTTCAGGCAAGTCCAACTCAAGGTCCAT[G>C]CCTCTGGAATGGGAAGACACCTATGGAATTGTCCTGCTTTCTGGAGTGAAGTATAAGAAG-3'
Protein context (NP_000630.1, residues 148-168): HLTGKSNSRS[Met158Ile]PLEWEDTYGI

ClinVar aggregate classification (germline): Uncertain significance (1 of 4 stars; one submission).

Conditions:
Autoimmune lymphoproliferative syndrome type 1. Also called: AUTOIMMUNE LYMPHOPROLIFERATIVE SYNDROME, TYPE I, AUTOSOMAL DOMINANT. Identifiers: Orphanet 3261, MedGen C2717884, MONDO:0011158, OMIM 601859.

Allele frequency attached by ClinVar (database versions not stated): gnomAD exomes 0.00001; TOPMed below 0.00001; gnomAD 0.00001.

Submission:

Labcorp Genetics (formerly Invitae), Labcorp
Classification: Uncertain significance for Autoimmune lymphoproliferative syndrome. Last evaluated: 2024-02-17. Review status: criteria provided, single submitter. Criteria: Invitae Variant Classification Sherloc (09022015). Collection method: clinical testing. Allele origin: germline.
Comment: This sequence change replaces methionine, which is neutral and non-polar, with isoleucine, which is neutral and non-polar, at codon 158 of the FASLG protein (p.Met158Ile). This variant is present in population databases (no rsID available, gnomAD 0.006%). This variant has not been reported in the literature in individuals affected with FASLG-related conditions. ClinVar contains an entry for this variant (Variation ID: 940827). Advanced modeling of protein sequence and biophysical properties (such as structural, functional, and spatial information, amino acid conservation, physicochemical variation, residue mobility, and thermodynamic stability) performed at Invitae indicates that this missense variant is not expected to disrupt FASLG protein function with a negative predictive value of 80%. In summary, the available evidence is currently insufficient to determine the role of this variant in disease. Therefore, it has been classified as a Variant of Uncertain Significance.